The following is an entry in ClinVar:

NM_015425.6(POLR1A):c.3394C>T (p.Arg1132Ter)

Gene: POLR1A (RNA polymerase I subunit A; minus strand). Cytogenetic location: 2p11.2.
Variant type: single nucleotide variant.
Coding change: c.3394C>T on transcript NM_015425.6 (MANE Select); coding-DNA position 3394, C replaced by T.
Protein change: p.Arg1132Ter; replaces arginine 1132 with a stop codon.
Molecular consequence: nonsense.
Genome position (GRCh38, 1-based): chr2:86,042,067, G>A on the plus strand (C>T on the coding strand, the complement: POLR1A is on the minus strand). VCF-style: chr2-86042067-G-A. GRCh37 (hg19) VCF-style: chr2-86269190-G-A.
Other names: short protein forms R1132*.
Identifiers: ClinVar variation 1304545 (VCV001304545.2), dbSNP rs1672620899, ClinGen allele CA347537451.
Genomic context (GRCh38, chr2:86,042,067, plus strand): 5'-GACGCCAGACAGACAGACTGGGGTCAGGACAAGCGGCCGCCTTCTTCTGGTATTTCCTTC[G>A]GCTTTCCTCATCCAACTCATACCACATCCTCAGCATCTGAACAGAAGGATGGGTCTCAGC-3'

ClinVar aggregate classification (germline): Uncertain significance (1 of 4 stars; one submission).

Allele frequency attached by ClinVar (database versions not stated): gnomAD exomes below 0.00001.
gnomAD v4.1: 5 of 1,613,046 alleles (0.00031%); highest among the groups gnomAD compares: Non-Finnish European, 0.00017%; no homozygotes.

Submission:

GeneDx
Classification: Uncertain significance. Last evaluated: 2019-02-07. Review status: criteria provided, single submitter. Criteria: GeneDx Variant Classification Process June 2021. Collection method: clinical testing. Allele origin: germline. Affected: yes.
Comment: Not observed [at a significant frequency] in large population cohorts (Lek et al., 2016); Nonsense variant predicted to result in protein truncation or nonsense mediated decay in a gene for which loss-of-function is not a known mechanism of disease; Has not been previously published as pathogenic or benign to our knowledge